The following is an entry in ClinVar:

ClinVar aggregate classification (germline): Likely pathogenic (1 of 4 stars; one submission).

Conditions:
PKD1L1-related disorder. Also called: PKD1L1-related condition.

Submission:

PreventionGenetics, part of Exact Sciences
Classification: Likely pathogenic for PKD1L1-related condition. Last evaluated: 2025-03-03. Review status: criteria provided, single submitter. Criteria: ACMG Guidelines, 2015. Collection method: clinical testing. Allele origin: germline.
Comment: The PKD1L1 c.6736-1G>A variant is predicted to disrupt the AG splice acceptor site and interfere with normal splicing. To our knowledge, this variant has not been reported in the literature or in a large population database (gnomAD), indicating this variant is rare. Variants that disrupt the consensus splice acceptor site in PKD1L1 are expected to be pathogenic. This variant is interpreted as likely pathogenic.

NM_138295.5(PKD1L1):c.6736-1G>A

Gene: PKD1L1 (polycystin 1 like 1, transient receptor potential channel interacting; minus strand). Cytogenetic location: 7p12.3.
Variant type: single nucleotide variant.
Coding change: c.6736-1G>A on transcript NM_138295.5 (MANE Select); the canonical splice acceptor site of the intron before coding-DNA position 6736, G replaced by A.
Molecular consequence: splice acceptor variant.
Genome position (GRCh38, 1-based): chr7:47,827,469, C>T on the plus strand (G>A on the coding strand, the complement: PKD1L1 is on the minus strand). VCF-style: chr7-47827469-C-T. GRCh37 (hg19) VCF-style: chr7-47867067-C-T.
Identifiers: ClinVar variation 4998865 (VCV004998865.1).
Genomic context (GRCh38, chr7:47,827,469, plus strand): 5'-GGCCTTGGATGGTGGATGCGCCCAGCGCAGGTGGCGAGCTTGTTGTCGGGCAGCCAAGAC[C>T]TGTCAGGGACAAGAGTGCTGTGAGCTGCGGGCTGGTGGGTGGAAGGAGAGAGGCCCCTGG-3'